The following is an entry in ClinVar:

ClinVar aggregate classification (germline): Uncertain significance. Review status: criteria provided, multiple submitters, no conflicts (2 of 4 stars). 2 submissions from 2 submitters: Uncertain significance (2). Last evaluated 2025-12-13.

Conditions:
Hereditary cancer-predisposing syndrome. Also called: Hereditary Cancer Syndrome; Neoplastic Syndromes, Hereditary; Tumor predisposition; Hereditary neoplastic syndrome. Identifiers: Orphanet 140162, MedGen C0027672, MeSH D009386, MONDO:0015356.
Bloom syndrome (BLM). Also called: Bloom-Torre-Machacek syndrome. Identifiers: Orphanet 125, MedGen C0005859, MONDO:0008876, OMIM 210900.

Allele frequency attached by ClinVar (database versions not stated): gnomAD exomes 0.00001.
gnomAD v4.1: 5 of 1,602,362 alleles (0.00031%); highest among the groups gnomAD compares: Non-Finnish European, 0.00043%; no homozygotes.

Submissions (2):

Labcorp Genetics (formerly Invitae), Labcorp
Classification: Uncertain significance for Bloom syndrome. Last evaluated: 2025-12-13. Review status: criteria provided, single submitter. Criteria: Invitae Variant Classification Sherloc (09022015). Collection method: clinical testing. Allele origin: germline.
Comment: This sequence change replaces serine, which is neutral and polar, with arginine, which is basic and polar, at codon 181 of the BLM protein (p.Ser181Arg). This variant is not present in population databases (gnomAD no frequency). This missense change has been observed in individual(s) with kidney cancer (PMID: 35957908). ClinVar contains an entry for this variant (Variation ID: 1747407). An algorithm developed to predict the effect of missense changes on protein structure and function (PolyPhen-2) suggests that this variant is likely to be disruptive. In summary, the available evidence is currently insufficient to determine the role of this variant in disease. Therefore, it has been classified as a Variant of Uncertain Significance.

Ambry Genetics
Classification: Uncertain significance for Hereditary cancer-predisposing syndrome. Last evaluated: 2022-02-10. Review status: criteria provided, single submitter. Criteria: Ambry Variant Classification Scheme 2023. Collection method: clinical testing. Allele origin: germline.
Comment: The p.S181R variant (also known as c.541A>C), located in coding exon 2 of the BLM gene, results from an A to C substitution at nucleotide position 541. The serine at codon 181 is replaced by arginine, an amino acid with dissimilar properties. This amino acid position is well conserved in available vertebrate species. In addition, this alteration is predicted to be tolerated by in silico analysis. Since supporting evidence is limited at this time, the clinical significance of this alteration remains unclear.

Literature cited by the submitters: PubMed 35957908 (cited by Labcorp Genetics (formerly Invitae), Labcorp).

NM_000057.4(BLM):c.541A>C (p.Ser181Arg)

Gene: BLM (BLM RecQ like helicase; plus strand). Cytogenetic location: 15q26.1.
Variant type: single nucleotide variant.
Coding change: c.541A>C on transcript NM_000057.4 (MANE Select); coding-DNA position 541, A replaced by C.
Protein change: p.Ser181Arg; replaces serine 181 with arginine.
Molecular consequence: missense variant. On other transcripts: 5 prime UTR variant (1).
Genome position (GRCh38, 1-based): chr15:90,749,809, A>C. VCF-style: chr15-90749809-A-C. GRCh37 (hg19) VCF-style: chr15-91293039-A-C.
Other names: c.541A>C, p.Ser181Arg (NM_001287246.2, NM_001287247.2); c.-751A>C (NM_001287248.2); short protein forms S181R.
Identifiers: ClinVar variation 1747407 (VCV001747407.3), dbSNP rs2505393176, ClinGen allele CA393841014.
Genomic context (GRCh38, chr15:90,749,809, plus strand): 5'-GATACTTCTGAGACTTCAAAATCATTTGTTACACCACCCCAAAGTCACTTTGTAAGAGTA[A>C]GCACTGCTCAGAAATCAAAAAAGGGTAAGAGAAACTTTTTTAAAGCACAGCTTTATACAA-3'
Protein context (NP_000048.1, residues 171-191): TPPQSHFVRV[Ser181Arg]TAQKSKKGKR